The following is an entry in ClinVar:

NM_004006.3(DMD):c.4478_4479insCCAAT (p.Glu1494fs)

Gene: DMD (dystrophin; minus strand). Cytogenetic location: Xp21.1.
Variant type: Insertion.
Coding change: c.4478_4479insCCAAT on transcript NM_004006.3 (MANE Select); coding-DNA positions 4478 to 4479, CCAAT inserted.
Protein change: p.Glu1494fs; shifts the reading frame from glutamic acid 1494.
Molecular consequence: frameshift variant.
Genome position: GRCh38 VCF-style: chrX-32389540-C-CATTGG. GRCh37 (hg19) VCF-style: chrX-32407657-C-CATTGG.
Other names: c.4454_4455insCCAAT, p.Glu1486fs (NM_000109.4); c.4466_4467insCCAAT, p.Glu1490fs (NM_004009.3); c.4109_4110insCCAAT, p.Glu1371fs (NM_004010.3); c.455_456insCCAAT, p.Glu153fs (NM_004011.4); c.446_447insCCAAT, p.Glu150fs (NM_004012.4); short protein forms E1371fs, E1490fs, E1494fs, E150fs, E1486fs, E153fs.
Identifiers: ClinVar variation 4722320 (VCV004722320.1).
Genomic context (GRCh38, chrX:32,389,540, plus strand): 5'-TTTGCCACCAGAAATACATACCACACAATGATTTAGCTGTGACTGTACTACTTCCTGTTC[C>CATTGG]ACACTCTTTGTTTCCAATGCAGGCAAGTGCATCTTCACTTCATCTAAAATCATCTTACTT-3'

ClinVar aggregate classification (germline): Pathogenic (1 of 4 stars; one submission).

Conditions:
Duchenne muscular dystrophy (DMD). Also called: MUSCULAR DYSTROPHY, PSEUDOHYPERTROPHIC PROGRESSIVE, DUCHENNE TYPE; Duchenne Muscular Dystrophy (DMD). Identifiers: Orphanet 98896, MedGen C0013264, MONDO:0010679, OMIM 310200.

Submission:

Labcorp Genetics (formerly Invitae), Labcorp
Classification: Pathogenic for Duchenne muscular dystrophy. Last evaluated: 2025-09-20. Review status: criteria provided, single submitter. Criteria: Invitae Variant Classification Sherloc (09022015). Collection method: clinical testing. Allele origin: germline.
Comment: This sequence change creates a premature translational stop signal (p.Glu1494Glnfs*6) in the DMD gene. It is expected to result in an absent or disrupted protein product. Loss-of-function variants in DMD are known to be pathogenic (PMID: 16770791, 25007885). This variant is not present in population databases (gnomAD no frequency). This variant has not been reported in the literature in individuals affected with DMD-related conditions. Algorithms developed to predict the effect of sequence changes on RNA splicing suggest that this variant may disrupt the consensus splice site. For these reasons, this variant has been classified as Pathogenic.

Literature cited by the submitters: PubMed 16770791; PubMed 25007885.